The following is an entry in ClinVar:

NM_001876.4(CPT1A):c.239C>T (p.Ser80Leu)

Gene: CPT1A (carnitine palmitoyltransferase 1A; minus strand). Cytogenetic location: 11q13.3.
Variant type: single nucleotide variant.
Coding change: c.239C>T on transcript NM_001876.4 (MANE Select); coding-DNA position 239, C replaced by T.
Protein change: p.Ser80Leu; replaces serine 80 with leucine.
Molecular consequence: missense variant.
Genome position (GRCh38, 1-based): chr11:68,812,479, G>A on the plus strand (C>T on the coding strand, the complement: CPT1A is on the minus strand). VCF-style: chr11-68812479-G-A. GRCh37 (hg19) VCF-style: chr11-68579947-G-A.
Other names: c.239C>T, p.Ser80Leu (NM_001031847.3); c.239C>T (NM_001876.3); short protein forms S80L.
Identifiers: ClinVar variation 2165872 (VCV002165872.3), dbSNP rs778008039, ClinGen allele CA6152740.
Genomic context (GRCh38, chr11:68,812,479, plus strand): 5'-TTTCACAGGATTACTTACGCCGTTTCCAGAGTCCGATTGATTTTTGCAATTATTCCTAAC[G>A]AGGGGTCGATCTTGGCGTACATCGTTGTCATCACGCCCACCACCACGATAAGCCAACTGG-3'
Protein context (NP_001867.2, residues 70-90): MTTMYAKIDP[Ser80Leu]LGIIAKINRT

ClinVar aggregate classification (germline): Uncertain significance. Review status: criteria provided, multiple submitters, no conflicts (2 of 4 stars). 2 submissions from 2 submitters: Uncertain significance (2). Last evaluated 2024-05-15.

Conditions:
Carnitine palmitoyl transferase 1A deficiency. Also called: CPT I DEFICIENCY; CPT DEFICIENCY, HEPATIC, TYPE I; Carnitine palmitoyltransferase 1A deficiency; Carnitine palmitoyltransferase type I deficiency; CPT deficiency, hepatic, type IA. Identifiers: Orphanet 156, MedGen C1829703, MONDO:0009705, OMIM 255120.
Inborn genetic diseases. Identifiers: MedGen C0950123, MeSH D030342.

Allele frequency attached by ClinVar (database versions not stated): TOPMed below 0.00001; ExAC 0.00001; gnomAD 0.00001; gnomAD exomes 0.00002.
gnomAD v4.1: 37 of 1,614,034 alleles (0.0023%); highest among the groups gnomAD compares: Non-Finnish European, 0.0027%; no homozygotes.

Submissions (2):

Labcorp Genetics (formerly Invitae), Labcorp
Classification: Uncertain significance for Carnitine palmitoyl transferase 1A deficiency. Last evaluated: 2024-05-15. Review status: criteria provided, single submitter. Criteria: Invitae Variant Classification Sherloc (09022015). Collection method: clinical testing. Allele origin: germline.
Comment: This sequence change replaces serine, which is neutral and polar, with leucine, which is neutral and non-polar, at codon 80 of the CPT1A protein (p.Ser80Leu). This variant is present in population databases (rs778008039, gnomAD 0.004%). This variant has not been reported in the literature in individuals affected with CPT1A-related conditions. ClinVar contains an entry for this variant (Variation ID: 2165872). Advanced modeling of protein sequence and biophysical properties (such as structural, functional, and spatial information, amino acid conservation, physicochemical variation, residue mobility, and thermodynamic stability) has been performed at Invitae for this missense variant, however the output from this modeling did not meet the statistical confidence thresholds required to predict the impact of this variant on CPT1A protein function. In summary, the available evidence is currently insufficient to determine the role of this variant in disease. Therefore, it has been classified as a Variant of Uncertain Significance.

Ambry Genetics
Classification: Uncertain significance for Inborn genetic diseases. Last evaluated: 2021-08-13. Review status: criteria provided, single submitter. Criteria: Ambry Variant Classification Scheme 2023. Collection method: clinical testing. Allele origin: germline.